The following is an entry in ClinVar:

NM_033026.6(PCLO):c.12331G>A (p.Glu4111Lys)

Gene: PCLO (piccolo presynaptic cytomatrix protein; minus strand). Cytogenetic location: 7q21.11.
Variant type: single nucleotide variant.
Coding change: c.12331G>A on transcript NM_033026.6 (MANE Select); coding-DNA position 12331, G replaced by A.
Protein change: p.Glu4111Lys; replaces glutamic acid 4111 with lysine.
Molecular consequence: missense variant.
Genome position (GRCh38, 1-based): chr7:82,915,655, C>T on the plus strand (G>A on the coding strand, the complement: PCLO is on the minus strand). VCF-style: chr7-82915655-C-T. GRCh37 (hg19) VCF-style: chr7-82544971-C-T.
Other names: c.12331G>A, p.Glu4111Lys (NM_014510.3); short protein forms E4111K.
Identifiers: ClinVar variation 3903207 (VCV003903207.1).
Genomic context (GRCh38, chr7:82,915,655, plus strand): 5'-CCTGTTTAATCTGATGTTTCAGAAGCTTTAACTCGTAAGGATCCTCCATTGGGTCTTCCT[C>T]CGCCTTCACATAACTATGCAATCTAGAGGAAGACTGTAAAGGTGCTAGGAAATCTGTCAC-3'
Protein context (NP_149015.2, residues 4101-4121): SSRLHSYVKA[Glu4111Lys]EDPMEDPYEL

ClinVar aggregate classification (germline): Uncertain significance (1 of 4 stars; one submission).

gnomAD v4.1: 17 of 1,613,246 alleles (0.0011%); highest among the groups gnomAD compares: African/African-American, 0.0013%; no homozygotes.

Submission:

GeneDx
Classification: Uncertain significance. Last evaluated: 2024-04-24. Review status: criteria provided, single submitter. Criteria: GeneDx Variant Classification Process June 2021. Collection method: clinical testing. Allele origin: germline. Affected: yes.
Comment: In silico analysis supports that this missense variant has a deleterious effect on protein structure/function; Has not been previously published as pathogenic or benign to our knowledge; Variants in candidate genes are classified as variants of uncertain significance in accordance with ACMG guidelines (PMID: 25741868)